The following is an entry in ClinVar:

NM_001267550.2(TTN):c.98161G>A (p.Val32721Ile)

Genes: TTN (titin; minus strand), TTN-AS1 (TTN antisense RNA 1; plus strand). Cytogenetic location: 2q31.2.
Variant type: single nucleotide variant.
Coding change: c.98161G>A on transcript NM_001267550.2 (MANE Select); coding-DNA position 98161, G replaced by A.
Protein change: p.Val32721Ile; replaces valine 32721 with isoleucine.
Molecular consequence: missense variant.
Genome position (GRCh38, 1-based): chr2:178,539,904, C>T on the plus strand (G>A on the coding strand, the complement: TTN is on the minus strand). VCF-style: chr2-178539904-C-T. GRCh37 (hg19) VCF-style: chr2-179404631-C-T.
Other names: c.93238G>A, p.Val31080Ile (NM_001256850.1); c.70966G>A, p.Val23656Ile (NM_003319.4); c.71341G>A, p.Val23781Ile (NM_133432.3); c.71542G>A, p.Val23848Ile (NM_133437.4); c.90457G>A, p.Val30153Ile (NM_133378.4); short protein forms V30153I, V32721I, V31080I, V23656I, V23848I, V23781I.
Identifiers: ClinVar variation 179737 (VCV000179737.7), dbSNP rs533651182, ClinGen allele CA185032.

ClinVar aggregate classification (germline): Uncertain significance. Review status: criteria provided, multiple submitters, no conflicts (2 of 4 stars). 2 submissions from 2 submitters: Uncertain significance (2). Last evaluated 2017-04-20.

Conditions:
Dilated cardiomyopathy 1G (CMD1G). Identifiers: Orphanet 154, MedGen C1858763, MONDO:0011400, OMIM 604145.
Autosomal recessive limb-girdle muscular dystrophy type 2J (LGMDR10). Also called: Limb-girdle muscular dystrophy, type 2J; MUSCULAR DYSTROPHY, LIMB-GIRDLE, AUTOSOMAL RECESSIVE 10. Identifiers: Orphanet 140922, MedGen C1837342, MONDO:0012127, OMIM 608807.

Allele frequency attached by ClinVar (database versions not stated): gnomAD 0.00001; TOPMed 0.00001; ExAC 0.00002; gnomAD exomes 0.00002 and 0.00004; 1000 Genomes Project 30x 0.00016; 1000 Genomes Project 0.00020.
gnomAD v4.1: 32 of 1,613,730 alleles (0.002%); highest among the groups gnomAD compares: Middle Eastern, 0.033%; no homozygotes.

Submissions (2):

Labcorp Genetics (formerly Invitae), Labcorp
Classification: Uncertain significance for Dilated cardiomyopathy 1G; Autosomal recessive limb-girdle muscular dystrophy type 2J. Last evaluated: 2017-04-20. Review status: criteria provided, single submitter. Criteria: Invitae Variant Classification Sherloc (09022015). Collection method: clinical testing. Allele origin: germline.

Laboratory for Molecular Medicine, Mass General Brigham Personalized Medicine
Classification: Uncertain significance. Last evaluated: 2014-06-05. Review status: criteria provided, single submitter. Criteria: LMM Criteria. Collection method: clinical testing. Allele origin: germline. Observed: 1 variant allele.
Comment: The Val30153Ile variant in TTN has not been previously reported in individuals w ith cardiomyopathy or in large population studies. Computational prediction tool s and conservation analysis do not provide strong support for or against an impa ct to the protein. In summary, the clinical significance of theVal30153Ile varia nt is uncertain.